The following is an entry in ClinVar:

ClinVar aggregate classification (germline): Benign (1 of 4 stars; one submission).

Conditions:
Leigh syndrome (NULS). Also called: Leigh's necrotizing encephalopathy; Leigh's disease; Leigh Syndrome (mtDNA deletion); Leigh Disease; Subacute necrotizing encephalopathy; Necrotizing encephalopathy infantile subacute of Leigh. Identifiers: Orphanet 506, MedGen C2931891, MONDO:0009723, OMIM 256000.

Submission:

Wong Mito Lab, Molecular and Human Genetics, Baylor College of Medicine
Classification: Benign for Leigh syndrome. Last evaluated: 2019-10-17. Review status: criteria provided, single submitter. Criteria: Modified ACMG Guidelines (Unpublished). Collection method: clinical testing. Allele origin: germline.
Comment: The NC_012920.1:m.6723G>A (YP_003024028.1:p.Val274Ile) variant in MTCO1 gene is interpretated to be a Benign variant based on the modified ACMG guidelines (unpublished). This variant meets the following evidence codes: BS1, BS2, BP4

NC_012920.1(MT-CO1):m.6723G>A

Gene: MT-CO1 (mitochondrially encoded cytochrome c oxidase I; plus strand).
Variant type: single nucleotide variant.
Genome position: chrM-6723-G-A.
Identifiers: ClinVar variation 692669 (VCV000692669.1), dbSNP rs1603220595, ClinGen allele CA414785892.